The following is an entry in ClinVar:

ClinVar aggregate classification (germline): Uncertain significance. Review status: criteria provided, multiple submitters, no conflicts (2 of 4 stars). 2 submissions from 2 submitters: Uncertain significance (2). Last evaluated 2023-11-10.

Conditions:
Hereditary nonpolyposis colorectal neoplasms. Identifiers: MedGen C0009405, MeSH D003123.
Hereditary cancer-predisposing syndrome. Also called: Neoplastic Syndromes, Hereditary; Tumor predisposition; Hereditary Cancer Syndrome; Hereditary neoplastic syndrome. Identifiers: Orphanet 140162, MedGen C0027672, MeSH D009386, MONDO:0015356.

Submissions (2):

Labcorp Genetics (formerly Invitae), Labcorp
Classification: Uncertain significance for Hereditary nonpolyposis colorectal neoplasms. Last evaluated: 2023-11-10. Review status: criteria provided, single submitter. Criteria: Invitae Variant Classification Sherloc (09022015). Collection method: clinical testing. Allele origin: germline.
Comment: This sequence change replaces histidine, which is basic and polar, with aspartic acid, which is acidic and polar, at codon 139 of the PMS2 protein (p.His139Asp). This variant is not present in population databases (gnomAD no frequency). This variant has not been reported in the literature in individuals affected with PMS2-related conditions. ClinVar contains an entry for this variant (Variation ID: 1738326). Advanced modeling of protein sequence and biophysical properties (such as structural, functional, and spatial information, amino acid conservation, physicochemical variation, residue mobility, and thermodynamic stability) performed at Invitae indicates that this missense variant is expected to disrupt PMS2 protein function with a positive predictive value of 80%. In summary, the available evidence is currently insufficient to determine the role of this variant in disease. Therefore, it has been classified as a Variant of Uncertain Significance.

Ambry Genetics
Classification: Uncertain significance for Hereditary cancer-predisposing syndrome. Last evaluated: 2020-09-28. Review status: criteria provided, single submitter. Criteria: Ambry Variant Classification Scheme 2023. Collection method: clinical testing. Allele origin: germline.
Comment: The p.H139D variant (also known as c.415C>G), located in coding exon 5 of the PMS2 gene, results from a C to G substitution at nucleotide position 415. The histidine at codon 139 is replaced by aspartic acid, an amino acid with similar properties. This amino acid position is highly conserved in available vertebrate species. In addition, this alteration is predicted to be deleterious by in silico analysis. Since supporting evidence is limited at this time, the clinical significance of this alteration remains unclear.

NM_000535.7(PMS2):c.415C>G (p.His139Asp)

Gene: PMS2 (PMS1 homolog 2, mismatch repair system component; minus strand). Cytogenetic location: 7p22.1.
Variant type: single nucleotide variant.
Coding change: c.415C>G on transcript NM_000535.7 (MANE Select); coding-DNA position 415, C replaced by G.
Protein change: p.His139Asp; replaces histidine 139 with aspartic acid.
Molecular consequence: missense variant. On other transcripts: 5 prime UTR variant (2), non-coding transcript variant (1).
Genome position (GRCh38, 1-based): chr7:6,002,575, G>C on the plus strand (C>G on the coding strand, the complement: PMS2 is on the minus strand). VCF-style: chr7-6002575-G-C. GRCh37 (hg19) VCF-style: chr7-6042206-G-C.
Other names: c.10C>G, p.His4Asp (NM_001018040.1, NM_001322003.2, NM_001322004.2 and 25 more transcripts); c.415C>G, p.His139Asp (NM_001322006.2, NM_001322014.2, NM_001406869.1 and 8 more transcripts); c.97C>G, p.His33Asp (NM_001322007.2, NM_001322008.2, NM_001406876.1 and 4 more transcripts); c.-470C>G (NM_001322011.2, NM_001322012.2); c.106C>G, p.His36Asp (NM_001322015.2, NM_001406875.1, NM_001406877.1 and 6 more transcripts); c.601C>G, p.His201Asp (NM_001406866.1); c.439C>G, p.His147Asp (NM_001406868.1); short protein forms H147D, H201D, H36D, H139D, H33D, H4D.
Identifiers: ClinVar variation 1738326 (VCV001738326.5), dbSNP rs1554304032, ClinGen allele CA366744397.